The following is an entry in ClinVar:

ClinVar aggregate classification (germline): Pathogenic (1 of 4 stars; one submission).

Conditions:
Primary ciliary dyskinesia. Also called: Ciliary dyskinesia. Identifiers: Orphanet 244, MedGen C0008780, MONDO:0016575, HP:0012265.

Submission:

Labcorp Genetics (formerly Invitae), Labcorp
Classification: Pathogenic for Primary ciliary dyskinesia. Last evaluated: 2024-08-15. Review status: criteria provided, single submitter. Criteria: Invitae Variant Classification Sherloc (09022015). Collection method: clinical testing. Allele origin: germline.
Comment: This sequence change creates a premature translational stop signal (p.Trp1750*) in the DNAH11 gene. It is expected to result in an absent or disrupted protein product. Loss-of-function variants in DNAH11 are known to be pathogenic (PMID: 18022865, 20513915, 22184204). This variant is not present in population databases (gnomAD no frequency). This variant has not been reported in the literature in individuals affected with DNAH11-related conditions. For these reasons, this variant has been classified as Pathogenic.

Literature cited by the submitters: PubMed 18022865; PubMed 20513915; PubMed 22184204.

NM_001277115.2(DNAH11):c.5250G>A (p.Trp1750Ter)

Gene: DNAH11 (dynein axonemal heavy chain 11; plus strand). Cytogenetic location: 7p15.3.
Variant type: single nucleotide variant.
Coding change: c.5250G>A on transcript NM_001277115.2 (MANE Select); coding-DNA position 5250, G replaced by A.
Protein change: p.Trp1750Ter; replaces tryptophan 1750 with a stop codon.
Molecular consequence: nonsense.
Genome position (GRCh38, 1-based): chr7:21,658,953, G>A. VCF-style: chr7-21658953-G-A. GRCh37 (hg19) VCF-style: chr7-21698571-G-A.
Other names: short protein forms W1750*.
Identifiers: ClinVar variation 3612784 (VCV003612784.2).